The following is an entry in ClinVar:

NM_001330078.2(NRXN1):c.1193C>T (p.Thr398Met)

Gene: NRXN1 (neurexin 1; minus strand). Cytogenetic location: 2p16.3.
Variant type: single nucleotide variant.
Coding change: c.1193C>T on transcript NM_001330078.2 (MANE Select); coding-DNA position 1193, C replaced by T.
Protein change: p.Thr398Met; replaces threonine 398 with methionine.
Molecular consequence: missense variant.
Genome position (GRCh38, 1-based): chr2:50,620,149, G>A on the plus strand (C>T on the coding strand, the complement: NRXN1 is on the minus strand). VCF-style: chr2-50620149-G-A. GRCh37 (hg19) VCF-style: chr2-50847287-G-A.
Other names: c.1313C>T, p.Thr438Met (NM_001135659.3); c.1169C>T, p.Thr390Met (NM_001330077.2, NM_001330082.2, NM_001330095.2); c.1154C>T, p.Thr385Met (NM_001330083.2, NM_001330084.2); c.1193C>T, p.Thr398Met (NM_001330085.2, NM_001330086.2, NM_004801.6); c.1109C>T, p.Thr370Met (NM_001330087.2, NM_001330096.2); c.1139C>T, p.Thr380Met (NM_001330088.2); c.1190C>T, p.Thr397Met (NM_001330093.2); c.1181C>T, p.Thr394Met (NM_001330094.2); short protein forms T397M, T438M, T380M, T390M, T385M, T394M, T398M, T370M.
Identifiers: ClinVar variation 3655007 (VCV003655007.2).
Genomic context (GRCh38, chr2:50,620,149, plus strand): 5'-CCTCCAACATAGAAAAAGTCATCAGACCCCAGCATGGTATAATCTTCTTGCGTGTAGCCC[G>A]TTGTGGTAAGAATCCCATCCACTGATATTGTCACCTAGATAACAAAGCACAGGGAAAGGA-3'
Protein context (NP_001317007.1, residues 388-408): TISVDGILTT[Thr398Met]GYTQEDYTML

ClinVar aggregate classification (germline): Uncertain significance (1 of 4 stars; one submission).

Conditions:
Pitt-Hopkins-like syndrome 2 (PTHSL2). Identifiers: Orphanet 221150, Orphanet 600663, MedGen C3280479, MONDO:0013690, OMIM 614325.

gnomAD v4.1: 4 of 1,613,396 alleles (0.00025%); highest among the groups gnomAD compares: Non-Finnish European, 0.00025%; no homozygotes.

Submission:

Labcorp Genetics (formerly Invitae), Labcorp
Classification: Uncertain significance for Pitt-Hopkins-like syndrome 2. Last evaluated: 2024-05-29. Review status: criteria provided, single submitter. Criteria: Invitae Variant Classification Sherloc (09022015). Collection method: clinical testing. Allele origin: germline.
Comment: This sequence change replaces threonine, which is neutral and polar, with methionine, which is neutral and non-polar, at codon 438 of the NRXN1 protein (p.Thr438Met). The frequency data for this variant in the population databases is considered unreliable, as metrics indicate poor data quality at this position in the gnomAD database. This variant has not been reported in the literature in individuals affected with NRXN1-related conditions. An algorithm developed to predict the effect of missense changes on protein structure and function (PolyPhen-2) suggests that this variant is likely to be disruptive. In summary, the available evidence is currently insufficient to determine the role of this variant in disease. Therefore, it has been classified as a Variant of Uncertain Significance.